The following is an entry in ClinVar:

ClinVar aggregate classification (germline): Conflicting classifications of pathogenicity. Review status: criteria provided, conflicting classifications (1 of 4 stars). 3 submissions from 3 submitters: Uncertain significance (1); Benign (1); Likely benign (1). Last evaluated 2025-10-07.

Conditions:
Marfan syndrome (MFS). Also called: MARFAN SYNDROME, TYPE I; Marfan syndrome type 1; Marfan's syndrome; Marfan syndrome, classic; FBN1-Related Marfan Syndrome. Identifiers: Orphanet 284963, Orphanet 558, MedGen C0024796, MONDO:0007947, OMIM 154700.
Familial thoracic aortic aneurysm and aortic dissection (TAAD). Also called: Thoracic aortic aneurysms and dissections. Identifiers: Orphanet 91387, MedGen C4707243, MONDO:0019625.

Allele frequency attached by ClinVar (database versions not stated): gnomAD exomes 0.00002; ExAC 0.00003.
gnomAD v4.1: 25 of 1,614,216 alleles (0.0015%); highest among the groups gnomAD compares: South Asian, 0.026%; no homozygotes.

Submissions (3):

Labcorp Genetics (formerly Invitae), Labcorp
Classification: Benign for Marfan syndrome; Familial thoracic aortic aneurysm and aortic dissection. Last evaluated: 2025-10-07. Review status: criteria provided, single submitter. Criteria: Invitae Variant Classification Sherloc (09022015). Collection method: clinical testing. Allele origin: germline.

GeneDx
Classification: Likely benign. Last evaluated: 2025-03-26. Review status: criteria provided, single submitter. Criteria: GeneDx Variant Classification Process June 2021. Collection method: clinical testing. Allele origin: germline. Affected: yes.
Comment: See Variant Classification Assertion Criteria.

All of Us Research Program, National Institutes of Health
Classification: Uncertain significance for Marfan syndrome. Last evaluated: 2023-05-31. Review status: criteria provided, single submitter. Criteria: ACMG Guidelines, 2015. Collection method: clinical testing. Allele origin: germline. Inheritance: Autosomal dominant inheritance. Observed: 1 variant allele, 1 heterozygote.
Comment: This study involves interpretation of variants in research participants for the purpose of population health screening. Participant phenotype was not available at the time of variant classification. Additional details can be found in publication PMID: 35346344, PMCID: PMC8962531

NM_000138.5(FBN1):c.1057A>G (p.Ile353Val)

Genes: FBN1 (fibrillin 1; minus strand), LOC113939944 (Sharpr-MPRA regulatory region 9539; plus strand). Cytogenetic location: 15q21.1.
Variant type: single nucleotide variant.
Coding change: c.1057A>G on transcript NM_000138.5 (MANE Select); coding-DNA position 1057, A replaced by G.
Protein change: p.Ile353Val; replaces isoleucine 353 with valine.
Molecular consequence: missense variant.
Genome position (GRCh38, 1-based): chr15:48,520,749, T>C on the plus strand (A>G on the coding strand, the complement: FBN1 is on the minus strand). VCF-style: chr15-48520749-T-C. GRCh37 (hg19) VCF-style: chr15-48812946-T-C.
Other names: c.1057A>G, p.Ile353Val (NM_001406716.1); short protein forms I353V.
Identifiers: ClinVar variation 2945769 (VCV002945769.5), dbSNP rs750653834, ClinGen allele CA043452.
Genomic context (GRCh38, chr15:48,520,749, plus strand): 5'-CGACAGTGACCCCTGGAGACCAGCATCGGCCGGCATCACAGCAGCACTGCATTTTGGTTA[T>C]GGACTGTGGCAGCTGGTTAGAGCAGCGCCCGTTTGTCAGAGCTGTGTAACAGTATCCTGG-3'
Protein context (NP_000129.3, residues 343-363): GRCSNQLPQS[Ile353Val]TKMQCCCDAG